The following is an entry in ClinVar:

ClinVar aggregate classification (germline): Uncertain significance (1 of 4 stars; one submission).

Allele frequency attached by ClinVar (database versions not stated): gnomAD exomes below 0.00001.

Submission:

Mayo Clinic Laboratories, Mayo Clinic
Classification: Uncertain significance. Last evaluated: 2022-01-19. Review status: criteria provided, single submitter. Criteria: ACMG Guidelines, 2015. Collection method: clinical testing. Allele origin: germline. Observed: 1 variant allele.
Comment: PM2, PVS1_moderate

NM_001110219.3(GJB6):c.727del (p.Glu243fs)

Gene: GJB6 (gap junction protein beta 6; minus strand). Cytogenetic location: 13q12.11.
Variant type: Deletion.
Coding change: c.727del on transcript NM_001110219.3 (MANE Select); coding-DNA position 727, one base deleted (G; older notation c.727delG).
Protein change: p.Glu243fs; shifts the reading frame from glutamic acid 243.
Molecular consequence: frameshift variant.
Genome position (GRCh38, 1-based): chr13:20,222,754, C deleted on the plus strand (G on the coding strand, the reverse complement: GJB6 is on the minus strand). VCF-style (leftmost placement, unchanged base first): chr13-20222753-TC-T. GRCh37 (hg19) VCF-style: chr13-20796892-TC-T.
Other names: p.Glu243Lysfs*2; c.727del, p.Glu243fs (NM_001110220.3, NM_001110221.3, NM_001370090.1 and 3 more transcripts); short protein forms E243fs.
Identifiers: ClinVar variation 2683221 (VCV002683221.1), dbSNP rs2500308772, ClinGen allele CA2575364821.